The following is an entry in ClinVar:

NM_001367561.1(DOCK7):c.5724+1G>A

Gene: DOCK7 (dedicator of cytokinesis 7; minus strand). Cytogenetic location: 1p31.3.
Variant type: single nucleotide variant.
Coding change: c.5724+1G>A on transcript NM_001367561.1 (MANE Select); the canonical splice donor site of the intron after coding-DNA position 5724, G replaced by A.
Molecular consequence: splice donor variant.
Genome position (GRCh38, 1-based): chr1:62,476,066, C>T on the plus strand (G>A on the coding strand, the complement: DOCK7 is on the minus strand). VCF-style: chr1-62476066-C-T. GRCh37 (hg19) VCF-style: chr1-62941737-C-T.
Other names: c.5598+1G>A (NM_001272001.2); c.5604+1G>A (NM_001272000.2); c.5631+1G>A (NM_033407.4); c.5691+1G>A (NM_001271999.2); c.5697+1G>A (NM_001330614.2).
Identifiers: ClinVar variation 1066162 (VCV001066162.7), dbSNP rs2149260122, ClinGen allele CA340604286.

ClinVar aggregate classification (germline): Likely pathogenic (1 of 4 stars; one submission).

Conditions:
Developmental and epileptic encephalopathy, 23 (DEE23). Also called: Epileptic encephalopathy, early infantile, 23. Identifiers: Orphanet 411986, MedGen C4014492, MONDO:0014371, OMIM 615859.

Submission:

Labcorp Genetics (formerly Invitae), Labcorp
Classification: Likely pathogenic for Developmental and epileptic encephalopathy, 23. Last evaluated: 2022-03-23. Review status: criteria provided, single submitter. Criteria: Invitae Variant Classification Sherloc (09022015). Collection method: clinical testing. Allele origin: germline.
Comment: This variant is not present in population databases (gnomAD no frequency). This sequence change affects a donor splice site in intron 44 of the DOCK7 gene. It is expected to disrupt RNA splicing. Variants that disrupt the donor or acceptor splice site typically lead to a loss of protein function (PMID: 16199547), and loss-of-function variants in DOCK7 are known to be pathogenic (PMID: 24814191). This variant has not been reported in the literature in individuals affected with DOCK7-related conditions. In summary, the currently available evidence indicates that the variant is pathogenic, but additional data are needed to prove that conclusively. Therefore, this variant has been classified as Likely Pathogenic. Algorithms developed to predict the effect of sequence changes on RNA splicing suggest that this variant may disrupt the consensus splice site. ClinVar contains an entry for this variant (Variation ID: 1066162).

Literature cited by the submitters: PubMed 16199547; PubMed 24814191.